The following is an entry in ClinVar:

NM_207361.6(FREM2):c.2180G>A (p.Arg727His)

Gene: FREM2 (FRAS1 related extracellular matrix 2; plus strand). Cytogenetic location: 13q13.3.
Variant type: single nucleotide variant.
Coding change: c.2180G>A on transcript NM_207361.6 (MANE Select); coding-DNA position 2180, G replaced by A.
Protein change: p.Arg727His; replaces arginine 727 with histidine.
Molecular consequence: missense variant.
Genome position (GRCh38, 1-based): chr13:38,689,524, G>A. VCF-style: chr13-38689524-G-A. GRCh37 (hg19) VCF-style: chr13-39263661-G-A.
Other names: c.2180G>A (NM_207361.5); short protein forms R727H.
Identifiers: ClinVar variation 501390 (VCV000501390.14), dbSNP rs201714905, ClinGen allele CA6954558.
Genomic context (GRCh38, chr13:38,689,524, plus strand): 5'-GTCCCCTTCGTATGGTGGTACAGGAATCCCAGCTCACACCACTGAGGAAGAAGTGGCTGC[G>A]CTACACTGACCTGGACACAGATGACCGAGAACTACGTTACACAGTGACTCAGCCCCCCAC-3'
Protein context (NP_997244.4, residues 717-737): QLTPLRKKWL[Arg727His]YTDLDTDDRE

ClinVar aggregate classification (germline): Benign/Likely benign. Review status: criteria provided, multiple submitters, no conflicts (2 of 4 stars). 4 submissions from 4 submitters: Benign (2); Likely benign (1). 1 of the submissions does not count toward it. Last evaluated 2026-01-07.

Conditions:
FREM2-related disorder. Also called: FREM2-related condition.
Fraser syndrome 2 (FRASRS2). Identifiers: MedGen C4540036, MONDO:0054738, OMIM 617666.

Allele frequency attached by ClinVar (database versions not stated): TOPMed 0.00009; gnomAD 0.00021 and 0.00023; gnomAD exomes 0.00027 and 0.00047; ExAC 0.00040.
gnomAD v4.1: 446 of 1,613,846 alleles (0.028%); highest among the groups gnomAD compares: South Asian, 0.11%; 10 homozygotes.

Submissions (4):

Labcorp Genetics (formerly Invitae), Labcorp
Classification: Benign. Last evaluated: 2026-01-07. Review status: criteria provided, single submitter. Criteria: Invitae Variant Classification Sherloc (09022015). Collection method: clinical testing. Allele origin: germline.

Eurofins Ntd Llc (ga)
Classification: Likely benign. Last evaluated: 2017-04-27. Review status: criteria provided, single submitter. Criteria: EGL Classification Definitions 2015. Collection method: clinical testing. Allele origin: germline. Observed: 1 variant allele, 1 heterozygote.

Illumina Laboratory Services, Illumina
Classification: Benign for Fraser syndrome 2. Last evaluated: 2017-04-27. Review status: criteria provided, single submitter. Criteria: ICSL Variant Classification Criteria 13 December 2019. Collection method: clinical testing. Allele origin: germline.
Comment: This variant was observed as part of a predisposition screen in an ostensibly healthy population. A literature search was performed for the gene, cDNA change, and amino acid change (where applicable). No publications were found based on this search. Allele frequency data from public databases was too high to be consistent with this variant causing disease. Therefore, this variant is classified as benign.

PreventionGenetics, part of Exact Sciences
Classification: Likely benign for FREM2-related condition. Last evaluated: 2024-04-04. Review status: no assertion criteria provided. Collection method: clinical testing. Allele origin: germline. Not counted in ClinVar's aggregate classification.
Comment: This variant is classified as likely benign based on ACMG/AMP sequence variant interpretation guidelines (Richards et al. 2015 PMID: 25741868, with internal and published modifications).